The following is an entry in ClinVar:

NM_017934.7(PHIP):c.129+9G>A

Gene: PHIP (PHIP subunit of CUL4-Ring ligase complex; minus strand). Cytogenetic location: 6q14.1.
Variant type: single nucleotide variant.
Coding change: c.129+9G>A on transcript NM_017934.7 (MANE Select); 9 bases into the intron after coding-DNA position 129, G replaced by A.
Molecular consequence: intron variant.
Genome position (GRCh38, 1-based): chr6:79,077,691, C>T on the plus strand (G>A on the coding strand, the complement: PHIP is on the minus strand). VCF-style: chr6-79077691-C-T. GRCh37 (hg19) VCF-style: chr6-79787408-C-T.
Other names: c.129+9G>A (NM_017934.6).
Identifiers: ClinVar variation 2847922 (VCV002847922.5), dbSNP rs2482425050, ClinGen allele CA2578676418.

ClinVar aggregate classification (germline): Likely benign. Review status: criteria provided, single submitter (1 of 4 stars). 2 submissions from 2 submitters: Likely benign (1). 1 of the submissions does not count toward it. Last evaluated 2025-01-07.

Conditions:
PHIP-related disorder. Also called: PHIP-related disorders; PHIP-related condition.

Allele frequency attached by ClinVar (database versions not stated): gnomAD exomes 0.00001.
gnomAD v4.1: 7 of 999,328 alleles (0.0007%); highest among the groups gnomAD compares: Non-Finnish European, 0.00071%; no homozygotes.

Submissions (2):

Labcorp Genetics (formerly Invitae), Labcorp
Classification: Likely benign. Last evaluated: 2025-01-07. Review status: criteria provided, single submitter. Criteria: Invitae Variant Classification Sherloc (09022015). Collection method: clinical testing. Allele origin: germline.

PreventionGenetics, part of Exact Sciences
Classification: Likely benign for PHIP-related condition. Last evaluated: 2021-08-26. Review status: no assertion criteria provided. Collection method: clinical testing. Allele origin: germline. Not counted in ClinVar's aggregate classification.
Comment: This variant is classified as likely benign based on ACMG/AMP sequence variant interpretation guidelines (Richards et al. 2015 PMID: 25741868, with internal and published modifications).